The following is an entry in ClinVar:

ClinVar aggregate classification (germline): Uncertain significance (1 of 4 stars; one submission).

Submission:

Labcorp Genetics (formerly Invitae), Labcorp
Classification: Uncertain significance. Last evaluated: 2025-04-11. Review status: criteria provided, single submitter. Criteria: Invitae Variant Classification Sherloc (09022015). Collection method: clinical testing. Allele origin: germline.
Comment: This sequence change replaces glycine, which is neutral and non-polar, with arginine, which is basic and polar, at codon 433 of the PPP2R5B protein (p.Gly433Arg). This variant is not present in population databases (gnomAD no frequency). This variant has not been reported in the literature in individuals affected with PPP2R5B-related conditions. Invitae Evidence Modeling of protein sequence and biophysical properties (such as structural, functional, and spatial information, amino acid conservation, physicochemical variation, residue mobility, and thermodynamic stability) indicates that this missense variant is not expected to disrupt PPP2R5B protein function with a negative predictive value of 80%. In summary, the available evidence is currently insufficient to determine the role of this variant in disease. Therefore, it has been classified as a Variant of Uncertain Significance.

NM_006244.4(PPP2R5B):c.1297G>A (p.Gly433Arg)

Gene: PPP2R5B (protein phosphatase 2 regulatory subunit B'beta; plus strand). Cytogenetic location: 11q13.1.
Variant type: single nucleotide variant.
Coding change: c.1297G>A on transcript NM_006244.4 (MANE Select); coding-DNA position 1297, G replaced by A.
Protein change: p.Gly433Arg; replaces glycine 433 with arginine.
Molecular consequence: missense variant.
Genome position (GRCh38, 1-based): chr11:64,933,197, G>A. VCF-style: chr11-64933197-G-A. GRCh37 (hg19) VCF-style: chr11-64700669-G-A.
Other names: short protein forms G433R.
Identifiers: ClinVar variation 4808954 (VCV004808954.1).
Genomic context (GRCh38, chr11:64,933,197, plus strand): 5'-CTGCCAAGAACCATCGTATCACTGATCTACAATGTGCTCAAGACCTTCATGGAGATGAAT[G>A]GGAAGCTGTTTGATGAGCTCACAGCCTCCTACAAGCTGGAAAAGCAGCAGTGAGTGTTGG-3'
Protein context (NP_006235.1, residues 423-443): NVLKTFMEMN[Gly433Arg]KLFDELTASY